The following is an entry in ClinVar:

ClinVar aggregate classification (germline): Uncertain significance. Review status: criteria provided, multiple submitters, no conflicts (2 of 4 stars). 2 submissions from 2 submitters: Uncertain significance (2). Last evaluated 2025-12-16.

Conditions:
Cardiovascular phenotype. Identifiers: MedGen CN230736.
Dilated cardiomyopathy 1W (CMD1W). Identifiers: Orphanet 154, MedGen C1969639, MONDO:0012667, OMIM 611407.

Allele frequency attached by ClinVar (database versions not stated): gnomAD exomes 0.00001.
gnomAD v4.1: 12 of 1,614,144 alleles (0.00074%); highest among the groups gnomAD compares: Non-Finnish European, 0.001%; no homozygotes.

Submissions (2):

Labcorp Genetics (formerly Invitae), Labcorp
Classification: Uncertain significance for Dilated cardiomyopathy 1W. Last evaluated: 2025-12-16. Review status: criteria provided, single submitter. Criteria: Invitae Variant Classification Sherloc (09022015). Collection method: clinical testing. Allele origin: germline.
Comment: This sequence change replaces asparagine, which is neutral and polar, with aspartic acid, which is acidic and polar, at codon 531 of the VCL protein (p.Asn531Asp). This variant is not present in population databases (gnomAD no frequency). This variant has not been reported in the literature in individuals affected with VCL-related conditions. ClinVar contains an entry for this variant (Variation ID: 2565621). An algorithm developed to predict the effect of missense changes on protein structure and function (PolyPhen-2) suggests that this variant is likely to be tolerated. In summary, the available evidence is currently insufficient to determine the role of this variant in disease. Therefore, it has been classified as a Variant of Uncertain Significance.

Ambry Genetics
Classification: Uncertain significance for Cardiovascular phenotype. Last evaluated: 2023-04-09. Review status: criteria provided, single submitter. Criteria: Ambry Variant Classification Scheme 2023. Collection method: clinical testing. Allele origin: germline.
Comment: The p.N531D variant (also known as c.1591A>G), located in coding exon 12 of the VCL gene, results from an A to G substitution at nucleotide position 1591. The asparagine at codon 531 is replaced by aspartic acid, an amino acid with highly similar properties. This amino acid position is conserved. In addition, this alteration is predicted to be tolerated by in silico analysis. Since supporting evidence is limited at this time, the clinical significance of this alteration remains unclear.

NM_014000.3(VCL):c.1591A>G (p.Asn531Asp)

Gene: VCL (vinculin; plus strand). Cytogenetic location: 10q22.2.
Variant type: single nucleotide variant.
Coding change: c.1591A>G on transcript NM_014000.3 (MANE Select); coding-DNA position 1591, A replaced by G.
Protein change: p.Asn531Asp; replaces asparagine 531 with aspartic acid.
Molecular consequence: missense variant.
Genome position (GRCh38, 1-based): chr10:74,095,703, A>G. VCF-style: chr10-74095703-A-G. GRCh37 (hg19) VCF-style: chr10-75855461-A-G.
Other names: c.1591A>G, p.Asn531Asp (NM_003373.4); short protein forms N531D.
Identifiers: ClinVar variation 2565621 (VCV002565621.5), dbSNP rs1839957258, ClinGen allele CA377274361.
Genomic context (GRCh38, chr10:74,095,703, plus strand): 5'-TCTCTTGGTCCAGGTCAGGCTGCCATCCGGGGGCTTGTGGCCGAAGGGCATCGTCTGGCT[A>G]ATGTTATGATGGGGCCTTATCGGCAAGATCTTCTCGCCAAGTGTGACCGAGTGGACCAGC-3'
Protein context (NP_054706.1, residues 521-541): GLVAEGHRLA[Asn531Asp]VMMGPYRQDL